The following is an entry in ClinVar:

ClinVar aggregate classification (germline): Uncertain significance (1 of 4 stars; one submission).

Submission:

GeneDx
Classification: Uncertain significance. Last evaluated: 2026-03-06. Review status: criteria provided, single submitter. Criteria: GeneDx Variant Classification Process June 2021. Collection method: clinical testing. Allele origin: germline.
Comment: Not observed at significant frequency in large population cohorts (gnomAD); In silico analysis supports that this missense variant has a deleterious effect on protein structure/function; Has not been previously published as pathogenic or benign to our knowledge

NM_006445.4(PRPF8):c.2083G>T (p.Asp695Tyr)

Gene: PRPF8 (pre-mRNA processing factor 8; minus strand). Cytogenetic location: 17p13.3.
Variant type: single nucleotide variant.
Coding change: c.2083G>T on transcript NM_006445.4 (MANE Select); coding-DNA position 2083, G replaced by T.
Protein change: p.Asp695Tyr; replaces aspartic acid 695 with tyrosine.
Molecular consequence: missense variant.
Genome position (GRCh38, 1-based): chr17:1,677,074, C>A on the plus strand (G>T on the coding strand, the complement: PRPF8 is on the minus strand). VCF-style: chr17-1677074-C-A. GRCh37 (hg19) VCF-style: chr17-1580368-C-A.
Other names: short protein forms D695Y.
Identifiers: ClinVar variation 5008542 (VCV005008542.1).